The following is an entry in ClinVar:

NM_032043.3(BRIP1):c.1141-3T>C

Gene: BRIP1 (BRCA1 interacting DNA helicase 1; minus strand). Cytogenetic location: 17q23.2.
Variant type: single nucleotide variant.
Coding change: c.1141-3T>C on transcript NM_032043.3 (MANE Select); 3 bases into the intron before coding-DNA position 1141, T replaced by C.
Molecular consequence: intron variant.
Genome position (GRCh38, 1-based): chr17:61,799,302, A>G on the plus strand (T>C on the coding strand, the complement: BRIP1 is on the minus strand). VCF-style: chr17-61799302-A-G. GRCh37 (hg19) VCF-style: chr17-59876663-A-G.
Identifiers: ClinVar variation 461062 (VCV000461062.14), dbSNP rs773264592, ClinGen allele CA8690782.
Genomic context (GRCh38, chr17:61,799,302, plus strand): 5'-CCTCGATGTTATGAGCTTCATCTAAAATGACAACCTGTTCTTTCAGATTTAAATCCATCT[A>G]TAAGATAAAAGAATTTTCTTGTAAAACATTTGGCAAAATAGATTTAACAACAGCAGGCAA-3'

ClinVar aggregate classification (germline): Conflicting classifications of pathogenicity. Review status: criteria provided, conflicting classifications (1 of 4 stars). 3 submissions from 3 submitters: Uncertain significance (2); Likely benign (1). Last evaluated 2025-07-14.

Conditions:
Hereditary cancer-predisposing syndrome. Also called: Hereditary neoplastic syndrome; Neoplastic Syndromes, Hereditary; Tumor predisposition; Hereditary Cancer Syndrome. Identifiers: Orphanet 140162, MedGen C0027672, MeSH D009386, MONDO:0015356.
Fanconi anemia complementation group J. Also called: BRIP1-Related Fanconi Anemia. Identifiers: Orphanet 84, MedGen C1836860, MONDO:0012187, OMIM 609054.
Familial cancer of breast. Also called: BREAST CANCER, FAMILIAL; hereditary breast carcinoma; Hereditary breast cancer. Identifiers: Orphanet 227535, MedGen C0346153, MONDO:0016419, OMIM 114480. Disease mechanism: loss of function.

Allele frequency attached by ClinVar (database versions not stated): gnomAD exomes below 0.00001; ExAC 0.00001.

Submissions (3):

Labcorp Genetics (formerly Invitae), Labcorp
Classification: Uncertain significance for Familial cancer of breast; Fanconi anemia complementation group J. Last evaluated: 2025-07-14. Review status: criteria provided, single submitter. Criteria: Invitae Variant Classification Sherloc (09022015). Collection method: clinical testing. Allele origin: germline.
Comment: This sequence change falls in intron 8 of the BRIP1 gene. It does not directly change the encoded amino acid sequence of the BRIP1 protein. It affects a nucleotide within the consensus splice site. This variant is present in population databases (rs773264592, gnomAD 0.006%). This variant has not been reported in the literature in individuals affected with BRIP1-related conditions. ClinVar contains an entry for this variant (Variation ID: 461062). Variants that disrupt the consensus splice site are a relatively common cause of aberrant splicing (PMID: 17576681, 9536098). Algorithms developed to predict the effect of sequence changes on RNA splicing suggest that this variant is not likely to affect RNA splicing. In summary, the available evidence is currently insufficient to determine the role of this variant in disease. Therefore, it has been classified as a Variant of Uncertain Significance.

Ambry Genetics
Classification: Uncertain significance for Hereditary cancer-predisposing syndrome. Last evaluated: 2025-04-12. Review status: criteria provided, single submitter. Criteria: Ambry Variant Classification Scheme 2023. Collection method: clinical testing. Allele origin: germline.
Comment: The c.1141-3T>C intronic variant results from a T to C substitution 3 nucleotides upstream from coding exon 8 in the BRIP1 gene. This nucleotide position is not well conserved in available vertebrate species. In silico splice site analysis predicts that this alteration will not have any significant effect on splicing. Based on the available evidence, the clinical significance of this variant remains unclear.

Myriad Genetics, Inc.
Classification: Likely benign for Familial cancer of breast. Last evaluated: 2024-08-26. Review status: criteria provided, single submitter. Criteria: Myriad Autosomal Dominant, Autosomal Recessive and X-Linked Classification Criteria (2023). Collection method: clinical testing. Allele origin: unknown.
Comment: This variant is considered likely benign. This variant is intronic and is not expected to impact mRNA splicing.

Literature cited by the submitters: PubMed 17576681 (cited by Labcorp Genetics (formerly Invitae), Labcorp); PubMed 9536098 (cited by Labcorp Genetics (formerly Invitae), Labcorp).